The following is an entry in ClinVar:

ClinVar aggregate classification (germline): Uncertain significance (1 of 4 stars; one submission).

Conditions:
Hereditary cancer-predisposing syndrome. Also called: Neoplastic Syndromes, Hereditary; Tumor predisposition; Hereditary Cancer Syndrome; Hereditary neoplastic syndrome. Identifiers: Orphanet 140162, MedGen C0027672, MeSH D009386, MONDO:0015356.

Submission:

Ambry Genetics
Classification: Uncertain significance for Hereditary cancer-predisposing syndrome. Last evaluated: 2025-10-03. Review status: criteria provided, single submitter. Criteria: Ambry Variant Classification Scheme 2023. Collection method: clinical testing. Allele origin: germline.
Comment: The p.I405M variant (also known as c.1215A>G), located in coding exon 14 of the CDC73 gene, results from an A to G substitution at nucleotide position 1215. The isoleucine at codon 405 is replaced by methionine, an amino acid with highly similar properties. This amino acid position is conserved. In addition, this alteration is predicted to be tolerated by in silico analysis. Based on the available evidence, the clinical significance of this variant remains unclear.

NM_024529.5(CDC73):c.1215A>G (p.Ile405Met)

Gene: CDC73 (cell division cycle 73; plus strand). Cytogenetic location: 1q31.2.
Variant type: single nucleotide variant.
Coding change: c.1215A>G on transcript NM_024529.5 (MANE Select); coding-DNA position 1215, A replaced by G.
Protein change: p.Ile405Met; replaces isoleucine 405 with methionine.
Molecular consequence: missense variant.
Genome position (GRCh38, 1-based): chr1:193,233,053, A>G. VCF-style: chr1-193233053-A-G. GRCh37 (hg19) VCF-style: chr1-193202183-A-G.
Other names: short protein forms I405M.
Identifiers: ClinVar variation 4631507 (VCV004631507.1).
Genomic context (GRCh38, chr1:193,233,053, plus strand): 5'-ATTTGTCCCATCAGATGAAAAGAAGAAACAAGGTTGTCAACGAGAAAATGAAACTCTAAT[A>G]CAAAGAAGAAAAGACCAGATGCAACCAGGGGGCACTGCAATTAGTGTTACAGTACCTTAT-3'
Protein context (NP_078805.3, residues 395-415): QGCQRENETL[Ile405Met]QRRKDQMQPG